The following is an entry in ClinVar:

NC_012920.1(MT-TW):m.5556G>A

Gene: MT-TW (mitochondrially encoded tRNA tryptophan; plus strand).
Variant type: single nucleotide variant.
Genome position: chrM-5556-G-A.
Other names: 5556G-A.
Identifiers: ClinVar variation 30007 (VCV000030007.4), dbSNP rs387906736, ClinGen allele CA128833.
Genomic context (GRCh38, chrMT:5,556, plus strand): 5'-ATACTAATAATCTTATAGAAATTTAGGTTAAATACAGACCAAGAGCCTTCAAAGCCCTCA[G>A]TAAGTTGCAATACTTAATTTCTGTAACAGCTAAGGACTGCAAAACCCCACTCTGCATCAA-3'

ClinVar aggregate classification (germline): Likely pathogenic. Review status: reviewed by expert panel (3 of 4 stars). 3 submissions from 3 submitters: Likely pathogenic (1). 2 of the submissions do not count toward it. Last evaluated 2024-05-28.

Conditions:
Primary Mitochondrial Disorders. Identifiers: MedGen CN381104.
Mitochondrial disease. Also called: Mitochondrial disorder; Mitochondrial disorders. Identifiers: Orphanet 68380, MedGen C0751651, MeSH D028361, MONDO:0044970.
Mitochondrial encephalomyopathy. Identifiers: MedGen C0162666, MONDO:0004675.

Submissions (3):

ClinGen Mitochondrial Disease Nuclear and Mitochondrial  Variant Curation Expert Panel, ClinGen
Classification: Likely pathogenic for Mitochondrial disease. Last evaluated: 2024-05-28. Review status: reviewed by expert panel. Criteria: clingen mito disease acmg specifications v1-1. Collection method: curation. Allele origin: germline. Inheritance: Mitochondrial inheritance.
Comment: The m.5556G>A variant in MT-TW has been reported in one individual with mitochondrial disease to date (PMID: 19809478). There was reduced activities of complexes I, III, and IV in skeletal muscle and fibroblasts, and reduced levels of fully assembled complexes I, III, IV, and V in fibroblast cell line. Mitochondrial protein synthesis and tRNA tryptophan levels were reduced in patient fibroblasts. The variant was present at 92% heteroplasmy in fibroblasts and 93% in skeletal muscle. The variant was not detectable in mother’s blood, hair, urine, or skeletal muscle (PM6_supporting; PMID: 27450679). This variant is absent in the MITOMAP GenBank dataset, gnomAD v3.1.2, and the Helix dataset (PM2_supporting). In silico prediction tools are conflicting as the computational predictor MitoTIP suggests this variant is tolerated (44.5 percentile) but HmtVAR predicts it to be deleterious (score of 0.85). Cybrids with high heteroplasmy levels (90%, 93%, 96%) were generated and showed a pattern consistent with patient fibroblasts, and tRNA tryptophan levels were reduced in cybrids to 33% (PS3_supporting; PMID: 19809478). In summary, this variant meets criteria to be classified as uncertain significance for primary mitochondrial disease however, after extensive discussion, this Expert Panel elected to modify the classification to likely pathogenic given the high heteroplasmy levels correlating with a severe phenotype with confirmed de novo status of the variant and compelling functional validation. This classification was approved by the NICHD/NINDS U24 ClinGen Mitochondrial Disease Variant Curation Expert Panel on May 28, 2024. Mitochondrial DNA-specific ACMG/AMP criteria applied (PMID: 32906214): PM6_supporting, PM2_supporting, PS3_supporting.

Variantyx, Inc.
Classification: Likely pathogenic for Primary mitochondrial disorders. Last evaluated: 2025-09-17. Review status: criteria provided, single submitter. Criteria: Variantyx Assertion Criteria 2022. Collection method: clinical testing. Allele origin: germline. Affected: yes. Not counted in ClinVar's aggregate classification.
Comment: The m.5556G>A change is a variant in the MT-TW gene which encodes the mitochondrial transfer RNA for tryptophan. Pathogenic variants in this gene have been associated with primary mitochondrial disorders. It is recommended to test several tissues in the mother by NGS to fully assess for the presence and level of this mtDNA variant. Functional studies support a deleterious effect for this variant (PMID: 19809478) (PS3). Computational algorithms support a deleterious effect on the gene or gene product (Aggregate Predicted Severity Score: 0.67) (PP3). This variant is absent from control populations (PM2). Other reputable laboratories have reported this variant as pathogenic or likely pathogenic, and this classification has been validated by an expert panel in ClinVar (PP5). Based on the current evidence, this variant is classified as likely pathogenic for primary mitochondrial disorders.

OMIM
Classification: Pathogenic for ENCEPHALOMYOPATHY, MITOCHONDRIAL. Last evaluated: 2010-03-01. Review status: no assertion criteria provided. Collection method: literature only. Allele origin: germline. Not counted in ClinVar's aggregate classification.

Literature cited by the submitters: PubMed 19809478 (cited by ClinGen Mitochondrial Disease Nuclear and Mitochondrial  Variant Curation Expert Panel, ClinGen and OMIM).